The following is an entry in ClinVar:

NM_015559.3(SETBP1):c.*4G>A

Gene: SETBP1 (SET binding protein 1; plus strand). Cytogenetic location: 18q12.3.
Variant type: single nucleotide variant.
Coding change: c.*4G>A on transcript NM_015559.3 (MANE Select); 4 bases downstream of the stop codon, G replaced by A.
Molecular consequence: 3 prime UTR variant.
Genome position (GRCh38, 1-based): chr18:45,063,702, G>A. VCF-style: chr18-45063702-G-A. GRCh37 (hg19) VCF-style: chr18-42643667-G-A.
Other names: c.*4G>A (NM_001379141.1, NM_001379142.1, NM_001410862.1).
Identifiers: ClinVar variation 3040815 (VCV003040815.2), dbSNP rs1477288675, ClinGen allele CA629927201.

ClinVar aggregate classification (germline): Likely benign (0 of 4 stars; one submission).

Conditions:
SETBP1-related disorder. Also called: SETBP1-related condition; SETBP1-related disorders.

Allele frequency attached by ClinVar (database versions not stated): gnomAD exomes below 0.00001; TOPMed below 0.00001.
gnomAD v4.1: 2 of 1,603,904 alleles (0.00012%); highest among the groups gnomAD compares: African/African-American, 0.0013%; no homozygotes.

Submission:

PreventionGenetics, part of Exact Sciences
Classification: Likely benign for SETBP1-related condition. Last evaluated: 2019-09-23. Review status: no assertion criteria provided. Collection method: clinical testing. Allele origin: germline.
Comment: This variant is classified as likely benign based on ACMG/AMP sequence variant interpretation guidelines (Richards et al. 2015 PMID: 25741868, with internal and published modifications).